The following is an entry in ClinVar:

GRCh37/hg19 Xp22.31(chrX:6451623-8136851)x0

Genes: PNPLA4 (patatin like phospholipase domain containing 4; minus strand), PUDP (pseudouridine 5'-phosphatase; minus strand), STS (steroid sulfatase; plus strand), VCX (variable charge X-linked; plus strand), VCX3A (variable charge X-linked 3A; minus strand). Cytogenetic location: Xp22.31.
Variant type: copy number loss.
Change: copy number 0 of chrX:6,451,623-8,136,851 (1.69 Mb, GRCh37 coordinates, 1-based), cytogenetic band Xp22.31.
Identifiers: ClinVar variation 1180518 (VCV001180518.4).

ClinVar aggregate classification (germline): Pathogenic (1 of 4 stars; one submission).

Submission:

Illumina Laboratory Services, Illumina
Classification: Pathogenic. Last evaluated: 2019-04-30. Review status: criteria provided, single submitter. Criteria: ICSL CNVClassificationCriteria Jul2020Prior. Collection method: clinical testing. Allele origin: unknown.
Comment: This CNV is an inherited 1.7 Mb deletion on the X chromosome at Xp22.31, (seq[GRCh37]del(X)(p22.31); chrX:g.6451623_8136851del). This CNV constitutes a loss encompassing eight genes: STS, VCX3A, HDHD1, VCX, PNPLA4, VCX2, MIR4767 and MIR651. Similar CNVs have been reported in several probands with syndromic ichthyosis due to losses at Xp22.31 which encompass the STS gene (Hosomi et al. 2007; Cuevas-Covarrubias and Gonzalez-Huerta 2008; Hung et al. 2013; Ben Khelifa et al. 2013, Nagai et al. 2017). The Xp22.31 deletion has not been reported in controls. Based on the collective evidence, the CNV is classified as pathogenic.

Literature cited by the submitters: PubMed 17113756; PubMed 18076704; PubMed 23791652; PubMed 23807007; PubMed 28253503.